The following is an entry in ClinVar:

NM_024753.5(TTC21B):c.2990G>A (p.Arg997Lys)

Gene: TTC21B (tetratricopeptide repeat domain 21B; minus strand). Cytogenetic location: 2q24.3.
Variant type: single nucleotide variant.
Coding change: c.2990G>A on transcript NM_024753.5 (MANE Select); coding-DNA position 2990, G replaced by A.
Protein change: p.Arg997Lys; replaces arginine 997 with lysine.
Molecular consequence: missense variant.
Genome position (GRCh38, 1-based): chr2:165,890,949, C>T on the plus strand (G>A on the coding strand, the complement: TTC21B is on the minus strand). VCF-style: chr2-165890949-C-T. GRCh37 (hg19) VCF-style: chr2-166747459-C-T.
Other names: short protein forms R997K.
Identifiers: ClinVar variation 1378795 (VCV001378795.6), dbSNP rs2105292122, ClinGen allele CA349048447.

ClinVar aggregate classification (germline): Uncertain significance (1 of 4 stars; one submission).

Conditions:
Nephronophthisis. Also called: Juvenile Nephronophthisis. Identifiers: Orphanet 655, MedGen C0687120, MONDO:0019005, HP:0000090.
Jeune thoracic dystrophy. Also called: Jeune syndrome; Infantile thoracic dystrophy; Thoracic pelvic phalangeal dystrophy; Jeune's syndrome; Chondroectodermal dysplasia-like syndrome; Short-rib thoracic dysplasia. Identifiers: Orphanet 474, MedGen C0265275, MONDO:0018770.

Submission:

Labcorp Genetics (formerly Invitae), Labcorp
Classification: Uncertain significance for Jeune thoracic dystrophy; Nephronophthisis. Last evaluated: 2023-10-03. Review status: criteria provided, single submitter. Criteria: Invitae Variant Classification Sherloc (09022015). Collection method: clinical testing. Allele origin: germline.
Comment: This sequence change replaces arginine, which is basic and polar, with lysine, which is basic and polar, at codon 997 of the TTC21B protein (p.Arg997Lys). This variant is not present in population databases (gnomAD no frequency). This variant has not been reported in the literature in individuals affected with TTC21B-related conditions. ClinVar contains an entry for this variant (Variation ID: 1378795). Advanced modeling of protein sequence and biophysical properties (such as structural, functional, and spatial information, amino acid conservation, physicochemical variation, residue mobility, and thermodynamic stability) performed at Invitae indicates that this missense variant is not expected to disrupt TTC21B protein function. Algorithms developed to predict the effect of sequence changes on RNA splicing suggest that this variant may disrupt the consensus splice site. In summary, the available evidence is currently insufficient to determine the role of this variant in disease. Therefore, it has been classified as a Variant of Uncertain Significance.